The following is an entry in ClinVar:

ClinVar aggregate classification (germline): Uncertain significance. Review status: reviewed by expert panel (3 of 4 stars). 3 submissions from 3 submitters: Uncertain significance (1). 2 of the submissions do not count toward it. Last evaluated 2024-08-07.

Conditions:
Centronuclear myopathy (CNM). Also called: Centronuclear myopathy, congenital; Myotubular myopathy. Identifiers: Orphanet 595, MedGen C0175709, MONDO:0018947. Inheritance: All.
Severe X-linked myotubular myopathy (CNMX). Also called: MYOTUBULAR MYOPATHY 1; X-linked centronuclear myopathy; Myotubular myopathy, X-linked. Identifiers: Orphanet 596, MedGen C0410203, MONDO:0010683, OMIM 310400.

Submissions (3):

ClinGen Congenital Myopathies Variant Curation Expert Panel, ClinGen
Classification: Uncertain significance for Centronuclear myopathy. Last evaluated: 2024-08-07. Review status: reviewed by expert panel. Criteria: ClinGen CongenMyopathy ACMG Specifications MTM1 V1.0.0. Collection method: curation. Allele origin: germline. Inheritance: X-linked inheritance.
Comment: The c.1169T>A variant in MTM1 is a missense variant predicted to cause substitution of methionine by lysine at amino acid 390. This variant is absent from gnomAD v4.1.0 (PM2_Supporting). The computational predictor REVEL gives a score of 0.948, which is above the threshold of 0.7, evidence that correlates with impact to MTM1 function (PP3). In summary, this variant meets the criteria to be classified as uncertain significance for X-linked centronuclear myopathy based on the ACMG/AMP criteria applied, as specified by the ClinGen Congenital Myopathies VCEP: PM2_Supporting, PP3. (Congenital Myopathies VCEP specifications Version 1: 8/7/2024)

Labcorp Genetics (formerly Invitae), Labcorp
Classification: Uncertain significance for Severe X-linked myotubular myopathy. Last evaluated: 2022-03-19. Review status: criteria provided, single submitter. Criteria: Invitae Variant Classification Sherloc (09022015). Collection method: clinical testing. Allele origin: germline. Not counted in ClinVar's aggregate classification.
Comment: Algorithms developed to predict the effect of missense changes on protein structure and function are either unavailable or do not agree on the potential impact of this missense change (SIFT: "Tolerated"; PolyPhen-2: "Possibly Damaging"; Align-GVGD: "Class C0"). In summary, the available evidence is currently insufficient to determine the role of this variant in disease. Therefore, it has been classified as a Variant of Uncertain Significance. This sequence change replaces methionine, which is neutral and non-polar, with lysine, which is basic and polar, at codon 390 of the MTM1 protein (p.Met390Lys). This variant is not present in population databases (gnomAD no frequency). This missense change has been observed in individual(s) with clinical features of myopathy (Invitae). ClinVar contains an entry for this variant (Variation ID: 167307).

Eurofins Ntd Llc (ga)
Classification: Uncertain significance. Last evaluated: 2014-03-11. Review status: criteria provided, single submitter. Criteria: EGL Classification Definitions 2015. Collection method: clinical testing. Allele origin: germline. Observed: 1 variant allele, 1 hemizygote. Not counted in ClinVar's aggregate classification.

NC_000023.11:g.150657936T>A

Gene: MTM1 (myotubularin 1; plus strand). Cytogenetic location: Xq28.
Variant type: single nucleotide variant.
Genome position: GRCh38 VCF-style: chrX-150657936-T-A. GRCh37 (hg19) VCF-style: chrX-149826409-T-A.
Other names: NM_000252.2(MTM1):c.1169T>A; c.1169T>A, p.Met390Lys (LRG_839t1).
Identifiers: ClinVar variation 167307 (VCV000167307.17), dbSNP rs727504019, ClinGen allele CA234282.